The following is an entry in ClinVar:

ClinVar aggregate classification (germline): Uncertain significance (1 of 4 stars; one submission).

Conditions:
Neurofibromatosis, type 2 (SWNV). Also called: NF2-Related Schwannomatosis; BILATERAL ACOUSTIC NEUROFIBROMATOSIS; SCHWANNOMATOSIS, VESTIBULAR. Identifiers: Orphanet 637, MedGen C0027832, MONDO:0007039, OMIM 101000. Disease mechanism: loss of function.

Submission:

Labcorp Genetics (formerly Invitae), Labcorp
Classification: Uncertain significance for Neurofibromatosis, type 2. Last evaluated: 2022-04-15. Review status: criteria provided, single submitter. Criteria: Invitae Variant Classification Sherloc (09022015). Collection method: clinical testing. Allele origin: germline.
Comment: In summary, the available evidence is currently insufficient to determine the role of this variant in disease. Therefore, it has been classified as a Variant of Uncertain Significance. Variants that disrupt the consensus splice site are a relatively common cause of aberrant splicing (PMID: 17576681, 9536098). Algorithms developed to predict the effect of sequence changes on RNA splicing suggest that this variant is not likely to affect RNA splicing. This variant has not been reported in the literature in individuals affected with NF2-related conditions. This variant is not present in population databases (gnomAD no frequency). This sequence change falls in intron 4 of the NF2 gene. It does not directly change the encoded amino acid sequence of the NF2 protein. It affects a nucleotide within the consensus splice site.

Literature cited by the submitters: PubMed 17576681; PubMed 9536098.

NM_000268.4(NF2):c.447+4G>A

Gene: NF2 (NF2, moesin-ezrin-radixin like (MERLIN) tumor suppressor; plus strand). Cytogenetic location: 22q12.2.
Variant type: single nucleotide variant.
Coding change: c.447+4G>A on transcript NM_000268.4 (MANE Select); 4 bases into the intron after coding-DNA position 447, G replaced by A.
Molecular consequence: intron variant.
Genome position (GRCh38, 1-based): chr22:29,642,289, G>A. VCF-style: chr22-29642289-G-A. GRCh37 (hg19) VCF-style: chr22-30038278-G-A.
Other names: c.447+4G>A (NM_016418.5, NM_181832.3, NM_181833.3 and 1 more transcripts); c.324+4G>A (NM_181829.3); c.321+4G>A (NM_181828.3); c.198+4G>A (NM_181830.3, NM_181831.3).
Identifiers: ClinVar variation 2126176 (VCV002126176.4), dbSNP rs2146895250, ClinGen allele CA2580099548.